The following is an entry in ClinVar:

ClinVar aggregate classification (germline): Uncertain significance (1 of 4 stars; one submission).

Conditions:
Combined immunodeficiency due to CTPS1 deficiency. Also called: Severe combined immunodeficiency due to CTPS1 deficiency; Immunodeficiency 24. Identifiers: Orphanet 420573, MedGen C4014617, MONDO:0014391, OMIM 615897.

Submission:

Labcorp Genetics (formerly Invitae), Labcorp
Classification: Uncertain significance for Combined immunodeficiency due to CTPS1 deficiency. Last evaluated: 2024-11-11. Review status: criteria provided, single submitter. Criteria: Invitae Variant Classification Sherloc (09022015). Collection method: clinical testing. Allele origin: germline.
Comment: This sequence change replaces leucine, which is neutral and non-polar, with valine, which is neutral and non-polar, at codon 88 of the CTPS1 protein (p.Leu88Val). This variant is not present in population databases (gnomAD no frequency). This variant has not been reported in the literature in individuals affected with CTPS1-related conditions. ClinVar contains an entry for this variant (Variation ID: 1714808). An algorithm developed to predict the effect of missense changes on protein structure and function (PolyPhen-2) suggests that this variant is likely to be tolerated. In summary, the available evidence is currently insufficient to determine the role of this variant in disease. Therefore, it has been classified as a Variant of Uncertain Significance.

NM_001905.4(CTPS1):c.262C>G (p.Leu88Val)

Gene: CTPS1 (CTP synthase 1; plus strand). Cytogenetic location: 1p34.2.
Variant type: single nucleotide variant.
Coding change: c.262C>G on transcript NM_001905.4 (MANE Select); coding-DNA position 262, C replaced by G.
Protein change: p.Leu88Val; replaces leucine 88 with valine.
Molecular consequence: missense variant. On other transcripts: non-coding transcript variant (1).
Genome position (GRCh38, 1-based): chr1:40,984,916, C>G. VCF-style: chr1-40984916-C-G. GRCh37 (hg19) VCF-style: chr1-41450588-C-G.
Other names: short protein forms L88V.
Identifiers: ClinVar variation 1714808 (VCV001714808.5), dbSNP rs2524249333, ClinGen allele CA339901603.